The following is an entry in ClinVar:

NM_000179.3(MSH6):c.1140T>A (p.Asp380Glu)

Gene: MSH6 (mutS homolog 6; plus strand). Cytogenetic location: 2p16.3.
Variant type: single nucleotide variant.
Coding change: c.1140T>A on transcript NM_000179.3 (MANE Select); coding-DNA position 1140, T replaced by A.
Protein change: p.Asp380Glu; replaces aspartic acid 380 with glutamic acid.
Molecular consequence: missense variant.
Genome position (GRCh38, 1-based): chr2:47,799,123, T>A. VCF-style: chr2-47799123-T-A. GRCh37 (hg19) VCF-style: chr2-48026262-T-A.
Other names: c.750T>A, p.Asp250Glu (NM_001281492.2); c.234T>A, p.Asp78Glu (NM_001281493.2, NM_001281494.2); short protein forms D380E, D78E, D250E.
Identifiers: ClinVar variation 489958 (VCV000489958.6), dbSNP rs1553412534, ClinGen allele CA346742142.

ClinVar aggregate classification (germline): Uncertain significance (1 of 4 stars; one submission).

Conditions:
Hereditary cancer-predisposing syndrome. Also called: Hereditary Cancer Syndrome; Neoplastic Syndromes, Hereditary; Tumor predisposition; Hereditary neoplastic syndrome. Identifiers: Orphanet 140162, MedGen C0027672, MeSH D009386, MONDO:0015356.

Submission:

Color Diagnostics, LLC DBA Color Health
Classification: Uncertain significance for Hereditary cancer-predisposing syndrome. Last evaluated: 2023-12-04. Review status: criteria provided, single submitter. Criteria: ACMG Guidelines, 2015. Collection method: clinical testing. Allele origin: germline.
Comment: This missense variant replaces aspartic acid with glutamic acid at codon 380 of the MSH6 protein. Computational prediction suggests that this variant may have deleterious impact on protein structure and function (internally defined REVEL score threshold >= 0.7, PMID: 27666373). To our knowledge, functional studies have not been reported for this variant. This variant has not been reported in individuals affected with MSH6-related disorders in the literature. This variant has not been identified in the general population by the Genome Aggregation Database (gnomAD). The available evidence is insufficient to determine the role of this variant in disease conclusively. Therefore, this variant is classified as a Variant of Uncertain Significance.